The following is an entry in ClinVar:

ClinVar aggregate classification (germline): Uncertain significance (1 of 4 stars; one submission).

Submission:

Labcorp Genetics (formerly Invitae), Labcorp
Classification: Uncertain significance. Last evaluated: 2023-08-04. Review status: criteria provided, single submitter. Criteria: Invitae Variant Classification Sherloc (09022015). Collection method: clinical testing. Allele origin: germline.
Comment: This sequence change replaces phenylalanine, which is neutral and non-polar, with leucine, which is neutral and non-polar, at codon 114 of the GORAB protein (p.Phe114Leu). This variant is not present in population databases (gnomAD no frequency). This variant has not been reported in the literature in individuals affected with GORAB-related conditions. ClinVar contains an entry for this variant (Variation ID: 1721055). Algorithms developed to predict the effect of missense changes on protein structure and function output the following: SIFT: "Not Available"; PolyPhen-2: "Benign"; Align-GVGD: "Not Available". The leucine amino acid residue is found in multiple mammalian species, which suggests that this missense change does not adversely affect protein function. In summary, the available evidence is currently insufficient to determine the role of this variant in disease. Therefore, it has been classified as a Variant of Uncertain Significance.

NM_152281.3(GORAB):c.267C>A (p.Phe89Leu)

Gene: GORAB (golgin, RAB6 interacting; plus strand). Cytogenetic location: 1q24.2.
Variant type: single nucleotide variant.
Coding change: c.267C>A on transcript NM_152281.3 (MANE Select); coding-DNA position 267, C replaced by A.
Protein change: p.Phe89Leu; replaces phenylalanine 89 with leucine.
Molecular consequence: missense variant. On other transcripts: 5 prime UTR variant (1), non-coding transcript variant (1).
Genome position (GRCh38, 1-based): chr1:170,539,415, C>A. VCF-style: chr1-170539415-C-A. GRCh37 (hg19) VCF-style: chr1-170508556-C-A.
Other names: c.267C>A, p.Phe89Leu (NM_001146039.2); c.-199C>A (NM_001320252.2); c.216C>A, p.Phe72Leu (NM_001410894.1); short protein forms F72L, F89L.
Identifiers: ClinVar variation 1721055 (VCV001721055.5), dbSNP rs2525929738, ClinGen allele CA343162488.